The following is an entry in ClinVar:

ClinVar aggregate classification (germline): Uncertain significance (1 of 4 stars; one submission).

Conditions:
Epidermolysis bullosa simplex 5C, with pyloric atresia (EBS5C). Also called: Epidermolysis bullosa simplex with pyloric atresia; PLEC-Related Epidermolysis Bullosa with Pyloric Atresia; PLEC1-Related Epidermolysis Bullosa with Pyloric Atresia. Identifiers: Orphanet 158684, MedGen C2677349, MONDO:0012807, OMIM 612138.
Epidermolysis bullosa simplex with nail dystrophy (EBS5D). Identifiers: MedGen C4225309, MONDO:0014661, OMIM 616487.
Epidermolysis bullosa simplex 5B, with muscular dystrophy (EBS5B). Also called: Epidermolysis bullosa simplex with muscular dystrophy; EPIDERMOLYSIS BULLOSA SIMPLEX AND LIMB-GIRDLE MUSCULAR DYSTROPHY. Identifiers: Orphanet 257, MedGen C2931072, MONDO:0009181, OMIM 226670.
Autosomal recessive limb-girdle muscular dystrophy type 2Q (LGMDR17). Also called: MUSCULAR DYSTROPHY, LIMB-GIRDLE, AUTOSOMAL RECESSIVE 17. Identifiers: Orphanet 254361, MedGen C3150989, MONDO:0013390, OMIM 613723.
Epidermolysis bullosa simplex, Ogna type (EBS5A). Also called: Pidermolysis bullosa simplex 5A, Ogna type; EPIDERMOLYSIS BULLOSA SIMPLEX 5A, OGNA TYPE. Identifiers: Orphanet 79401, MedGen C0432317, MONDO:0007555, OMIM 131950.

Submission:

Labcorp Genetics (formerly Invitae), Labcorp
Classification: Uncertain significance for Autosomal recessive limb-girdle muscular dystrophy type 2Q; Epidermolysis bullosa simplex, Ogna type; Epidermolysis bullosa simplex with nail dystrophy; Epidermolysis bullosa simplex 5C, with pyloric atresia; Epidermolysis bullosa simplex 5B, with muscular dystrophy. Last evaluated: 2021-09-14. Review status: criteria provided, single submitter. Criteria: Invitae Variant Classification Sherloc (09022015). Collection method: clinical testing. Allele origin: germline.
Comment: This sequence change replaces alanine with serine at codon 1687 of the PLEC protein (p.Ala1687Ser). The alanine residue is moderately conserved and there is a moderate physicochemical difference between alanine and serine. This variant is not present in population databases (ExAC no frequency). This variant has not been reported in the literature in individuals affected with PLEC-related conditions. Algorithms developed to predict the effect of missense changes on protein structure and function are either unavailable or do not agree on the potential impact of this missense change (SIFT: "Tolerated"; PolyPhen-2: "Not Available"; Align-GVGD: "Class C0"). In summary, the available evidence is currently insufficient to determine the role of this variant in disease. Therefore, it has been classified as a Variant of Uncertain Significance.

NM_201384.3(PLEC):c.4978G>T (p.Ala1660Ser)

Gene: PLEC (plectin; minus strand). Cytogenetic location: 8q24.3.
Variant type: single nucleotide variant.
Coding change: c.4978G>T on transcript NM_201384.3 (MANE Select); coding-DNA position 4978, G replaced by T.
Protein change: p.Ala1660Ser; replaces alanine 1660 with serine.
Molecular consequence: missense variant.
Genome position (GRCh38, 1-based): chr8:143,924,951, C>A on the plus strand (G>T on the coding strand, the complement: PLEC is on the minus strand). VCF-style: chr8-143924951-C-A. GRCh37 (hg19) VCF-style: chr8-144999119-C-A.
Other names: c.5059G>T, p.Ala1687Ser (NM_000445.5); c.4936G>T, p.Ala1646Ser (NM_201378.4); c.4912G>T, p.Ala1638Ser (NM_201379.3); c.5389G>T, p.Ala1797Ser (NM_201380.4); c.4882G>T, p.Ala1628Ser (NM_201381.3); c.4978G>T, p.Ala1660Ser (NM_201382.4); c.4990G>T, p.Ala1664Ser (NM_201383.3); short protein forms A1628S, A1638S, A1646S, A1660S, A1664S, A1687S, A1797S.
Identifiers: ClinVar variation 1402283 (VCV001402283.6), dbSNP rs781997708, ClinGen allele CA372550943.
Genomic context (GRCh38, chr8:143,924,951, plus strand): 5'-CCGCCTTGCCGCGCCGCCGCGCCTCGCGCTCCGCCTCCTCCTTCTGCTTCTCAGCCTCGG[C>A]CTGCGCCAGGCTCTTCTGCTGCGCCACCTCCTCCGCCTGCAGCCGCAGCCGTAGCGCCTC-3'
Protein context (NP_958786.1, residues 1650-1670): EVAQQKSLAQ[Ala1660Ser]EAEKQKEEAE